The following is an entry in ClinVar:

NR_023343.3(RNU4ATAC):n.47_48insC

Genes: CLASP1 (cytoplasmic linker associated protein 1; minus strand), CLASP1-AS1 (CLASP1 antisense RNA 1; plus strand), RNU4ATAC (RNA, U4atac small nuclear; plus strand). Cytogenetic location: 2q14.2.
Variant type: Insertion.
Molecular consequence: non-coding transcript variant (on NR_023343.3). On other transcripts: intron variant (8).
Genome position: GRCh38 VCF-style: chr2-121530926-T-TC. GRCh37 (hg19) VCF-style: chr2-122288502-T-TC.
Other names: c.196-602_196-601insG (NM_001142274.2, NM_015282.3, NM_001378003.1 and 5 more transcripts).
Identifiers: ClinVar variation 4777840 (VCV004777840.1).

ClinVar aggregate classification (germline): Uncertain significance (1 of 4 stars; one submission).

Submission:

Labcorp Genetics (formerly Invitae), Labcorp
Classification: Uncertain significance. Last evaluated: 2026-01-18. Review status: criteria provided, single submitter. Criteria: Invitae Variant Classification Sherloc (09022015). Collection method: clinical testing. Allele origin: germline.
Comment: This variant occurs in the RNU4ATAC gene, which encodes an RNA molecule that does not result in a protein product. This variant is present in population databases (no rsID available, gnomAD 0.007%). This variant has not been reported in the literature in individuals affected with RNU4ATAC-related conditions. Experimental studies and prediction algorithms are not available or were not evaluated, and the functional significance of this variant is currently unknown. In summary, the available evidence is currently insufficient to determine the role of this variant in disease. Therefore, it has been classified as a Variant of Uncertain Significance.